The following is an entry in ClinVar:

NM_001130987.2(DYSF):c.5945C>G (p.Ser1982Cys)

Gene: DYSF (dysferlin; plus strand). Cytogenetic location: 2p13.2.
Variant type: single nucleotide variant.
Coding change: c.5945C>G on transcript NM_001130987.2 (MANE Select); coding-DNA position 5945, C replaced by G.
Protein change: p.Ser1982Cys; replaces serine 1982 with cysteine.
Molecular consequence: missense variant.
Genome position (GRCh38, 1-based): chr2:71,679,117, C>G. VCF-style: chr2-71679117-C-G. GRCh37 (hg19) VCF-style: chr2-71906247-C-G.
Other names: c.5831C>G, p.Ser1944Cys (NM_001130455.2); c.5786C>G, p.Ser1929Cys (NM_001130976.2); c.5849C>G, p.Ser1950Cys (NM_001130977.2); c.5891C>G, p.Ser1964Cys (NM_001130978.2); c.5921C>G, p.Ser1974Cys (NM_001130979.2); c.5879C>G, p.Ser1960Cys (NM_001130980.2); c.5942C>G, p.Ser1981Cys (NM_001130981.2); c.5924C>G, p.Ser1975Cys (NM_001130982.2); and 5 more; short protein forms S1929C, S1950C, S1964C, S1981C, S1951C, S1960C, S1965C, S1961C.
Identifiers: ClinVar variation 1439240 (VCV001439240.5), dbSNP rs142160134, ClinGen allele CA1707555.

ClinVar aggregate classification (germline): Uncertain significance (1 of 4 stars; one submission).

Conditions:
Neuromuscular disease caused by qualitative or quantitative defects of dysferlin. Also called: Qualitative or quantitative defects of dysferlin; Dysferlinopathy. Identifiers: Orphanet 207073, MedGen C2931687, MONDO:0016145.

Allele frequency attached by ClinVar (database versions not stated): gnomAD 0.00001; ExAC 0.00002; gnomAD exomes 0.00002; ESP Exome Variant Server 0.00008.
gnomAD v4.1: 3 of 1,613,878 alleles (0.00019%); highest among the groups gnomAD compares: Non-Finnish European, 0.00025%; no homozygotes.

Submission:

Labcorp Genetics (formerly Invitae), Labcorp
Classification: Uncertain significance for Neuromuscular disease caused by qualitative or quantitative defects of dysferlin. Last evaluated: 2022-06-20. Review status: criteria provided, single submitter. Criteria: Invitae Variant Classification Sherloc (09022015). Collection method: clinical testing. Allele origin: germline.
Comment: This sequence change replaces serine, which is neutral and polar, with cysteine, which is neutral and slightly polar, at codon 1943 of the DYSF protein (p.Ser1943Cys). This variant is present in population databases (rs142160134, gnomAD 0.004%). This variant has not been reported in the literature in individuals affected with DYSF-related conditions. Advanced modeling of protein sequence and biophysical properties (such as structural, functional, and spatial information, amino acid conservation, physicochemical variation, residue mobility, and thermodynamic stability) performed at Invitae indicates that this missense variant is not expected to disrupt DYSF protein function. In summary, the available evidence is currently insufficient to determine the role of this variant in disease. Therefore, it has been classified as a Variant of Uncertain Significance.